The following is an entry in ClinVar:

NM_000059.4(BRCA2):c.1379A>T (p.Asn460Ile)

Gene: BRCA2 (BRCA2 DNA repair associated; plus strand). Cytogenetic location: 13q13.1.
Variant type: single nucleotide variant.
Coding change: c.1379A>T on transcript NM_000059.4 (MANE Select); coding-DNA position 1379, A replaced by T.
Protein change: p.Asn460Ile; replaces asparagine 460 with isoleucine.
Molecular consequence: missense variant.
Genome position (GRCh38, 1-based): chr13:32,332,857, A>T. VCF-style: chr13-32332857-A-T. GRCh37 (hg19) VCF-style: chr13-32906994-A-T.
Other names: c.1379A>T, p.Asn460Ile (NM_001406719.1, NM_001406720.1, NM_001406721.1); short protein forms N460I.
Identifiers: ClinVar variation 2106485 (VCV002106485.8), dbSNP rs777093572, ClinGen allele CA387762970.

ClinVar aggregate classification (germline): Conflicting classifications of pathogenicity. Review status: criteria provided, conflicting classifications (1 of 4 stars). 4 submissions from 4 submitters: Uncertain significance (3); Likely benign (1). Last evaluated 2025-11-10.

Conditions:
Hereditary cancer-predisposing syndrome. Also called: Neoplastic Syndromes, Hereditary; Hereditary Cancer Syndrome; Hereditary neoplastic syndrome; Tumor predisposition. Identifiers: Orphanet 140162, MedGen C0027672, MeSH D009386, MONDO:0015356.
Hereditary breast ovarian cancer syndrome. Also called: Hereditary breast and ovarian cancer syndrome; BRCA1- and BRCA2-Associated Hereditary Breast and Ovarian Cancer; Hereditary breast and ovarian cancer; Hereditary breast and/or ovarian cancer syndrome; Hereditary breast and ovarian cancer syndrome (HBOC); Breast and ovarian cancer. Identifiers: Orphanet 145, MedGen C0677776, MeSH D061325, MONDO:0003582. Disease mechanism: loss of function.

Submissions (4):

Color Diagnostics, LLC DBA Color Health
Classification: Uncertain significance for Hereditary cancer-predisposing syndrome. Last evaluated: 2025-11-10. Review status: criteria provided, single submitter. Criteria: ACMG Guidelines, 2015. Collection method: clinical testing. Allele origin: germline.
Comment: This missense variant replaces asparagine with isoleucine at codon 460 of the BRCA2 protein. Computational prediction suggests that this variant may not impact protein structure and function. To our knowledge, functional studies have not been reported for this variant. This variant has not been reported in individuals affected with BRCA2-related disorders in the literature. This variant has not been identified in the general population by the Genome Aggregation Database (gnomAD). The available evidence is insufficient to determine the role of this variant in disease conclusively. Therefore, this variant is classified as a Variant of Uncertain Significance.

GeneDx
Classification: Uncertain significance. Last evaluated: 2024-10-03. Review status: criteria provided, single submitter. Criteria: GeneDx Variant Classification Process June 2021. Collection method: clinical testing. Allele origin: germline. Affected: yes.
Comment: Not observed at significant frequency in large population cohorts (gnomAD); In silico analysis indicates that this missense variant does not alter protein structure/function; Has not been previously published as pathogenic or benign to our knowledge; Also known as 1607A>T

University of Washington Department of Laboratory Medicine, University of Washington
Classification: Likely benign for Hereditary cancer-predisposing syndrome. Last evaluated: 2023-03-23. Review status: criteria provided, single submitter. Criteria: Dines et al. (Genet Med. 2020). Collection method: curation. Allele origin: germline.
Comment: Missense variant in a coldspot region where missense variants are very unlikely to be pathogenic (PMID:31911673).

BRCA2 exon 10 coldspot. Reclassification based on statistical prior probability.

Labcorp Genetics (formerly Invitae), Labcorp
Classification: Uncertain significance for Hereditary breast ovarian cancer syndrome. Last evaluated: 2022-03-03. Review status: criteria provided, single submitter. Criteria: Invitae Variant Classification Sherloc (09022015). Collection method: clinical testing. Allele origin: germline.
Comment: In summary, the available evidence is currently insufficient to determine the role of this variant in disease. Therefore, it has been classified as a Variant of Uncertain Significance. Advanced modeling of protein sequence and biophysical properties (such as structural, functional, and spatial information, amino acid conservation, physicochemical variation, residue mobility, and thermodynamic stability) performed at Invitae indicates that this missense variant is not expected to disrupt BRCA2 protein function. This variant has not been reported in the literature in individuals affected with BRCA2-related conditions. This variant is not present in population databases (gnomAD no frequency). This sequence change replaces asparagine, which is neutral and polar, with isoleucine, which is neutral and non-polar, at codon 460 of the BRCA2 protein (p.Asn460Ile).